The following is an entry in ClinVar:

ClinVar aggregate classification (germline): Pathogenic (1 of 4 stars; one submission).

Conditions:
Developmental and epileptic encephalopathy, 8 (DEE8). Also called: HYPEREKPLEXIA AND EPILEPSY. Identifiers: Orphanet 163985, Orphanet 2076, MedGen C1845102, MONDO:0010375, OMIM 300607.

Submission:

Labcorp Genetics (formerly Invitae), Labcorp
Classification: Pathogenic for Developmental and epileptic encephalopathy, 8. Last evaluated: 2019-04-03. Review status: criteria provided, single submitter. Criteria: Invitae Variant Classification Sherloc (09022015). Collection method: clinical testing. Allele origin: germline.
Comment: Nucleotide substitutions within the consensus splice site are a relatively common cause of aberrant splicing (PMID: 17576681, 9536098). Algorithms developed to predict the effect of sequence changes on RNA splicing suggest that this variant may disrupt the consensus splice site, but this prediction has not been confirmed by published transcriptional studies. For these reasons, this variant has been classified as Pathogenic. This variant has been observed to be de novo in affected with clinical features consistent with an ARHGEF9-related condition (Invitae). This variant is not present in population databases (ExAC no frequency). This sequence change affects codon 308 of the ARHGEF9 mRNA. It is a 'silent' change, meaning that it does not change the encoded amino acid sequence of the ARHGEF9 protein. This variant also falls at the last nucleotide of exon 6 of the ARHGEF9 coding sequence, which is part of the consensus splice site for this exon.

Literature cited by the submitters: PubMed 17576681; PubMed 9536098.

NM_001353921.2(ARHGEF9):c.945G>A (p.Glu315=)

Gene: ARHGEF9 (Cdc42 guanine nucleotide exchange factor 9; minus strand). Cytogenetic location: Xq11.1.
Variant type: single nucleotide variant.
Coding change: c.945G>A on transcript NM_001353921.2 (MANE Select); coding-DNA position 945, G replaced by A.
Protein change: p.Glu315=; no amino-acid change (glutamic acid 315 retained).
Molecular consequence: synonymous variant.
Genome position (GRCh38, 1-based): chrX:63,674,038, C>T on the plus strand (G>A on the coding strand, the complement: ARHGEF9 is on the minus strand). VCF-style: chrX-63674038-C-T. GRCh37 (hg19) VCF-style: chrX-62893918-C-T.
Other names: c.861G>A, p.Glu287= (NM_001369041.1, NM_001369043.1, NM_001369044.1 and 8 more transcripts); c.618G>A, p.Glu206= (NM_001369042.1, NM_001173480.2); c.510G>A, p.Glu170= (NM_001369045.1); c.924G>A, p.Glu308= (NM_015185.3, NM_001353928.2, NM_001369030.1 and 2 more transcripts); c.765G>A, p.Glu255= (NM_001173479.2); c.945G>A, p.Glu315= (NM_001353922.2); c.963G>A, p.Glu321= (NM_001353923.1); c.744G>A, p.Glu248= (NM_001353924.2, NM_001353926.2, NM_001369039.1 and 1 more transcripts).
Identifiers: ClinVar variation 837954 (VCV000837954.10), dbSNP rs2050112328, ClinGen allele CA516877413.